The following is an entry in ClinVar:

NM_001267550.2(TTN):c.60760del (p.Val20254fs)

Genes: TTN-AS1 (TTN antisense RNA 1; plus strand), TTN (titin; minus strand). Cytogenetic location: 2q31.2.
Variant type: Deletion.
Coding change: c.60760del on transcript NM_001267550.2 (MANE Select); coding-DNA position 60760, one base deleted (G; older notation c.60760delG).
Protein change: p.Val20254fs; shifts the reading frame from valine 20254.
Molecular consequence: frameshift variant.
Genome position (GRCh38, 1-based): chr2:178,590,965, C deleted on the plus strand (G on the coding strand, the reverse complement: TTN is on the minus strand). VCF-style (leftmost placement, unchanged base first): chr2-178590964-AC-A. GRCh37 (hg19) VCF-style: chr2-179455691-AC-A.
Other names: c.55837del, p.Val18613fs (NM_001256850.1); c.33565del, p.Val11189fs (NM_003319.4); c.53056del, p.Val17686fs (NM_133378.4); c.33940del, p.Val11314fs (NM_133432.3); c.34141del, p.Val11381fs (NM_133437.4); short protein forms V11189fs, V11314fs, V11381fs, V20254fs, V17686fs, V18613fs.
Identifiers: ClinVar variation 951461 (VCV000951461.10), dbSNP rs2050086519, ClinGen allele CA1139655653.

ClinVar aggregate classification (germline): Likely pathogenic (1 of 4 stars; one submission).

Conditions:
Dilated cardiomyopathy 1G (CMD1G). Identifiers: Orphanet 154, MedGen C1858763, MONDO:0011400, OMIM 604145.
Autosomal recessive limb-girdle muscular dystrophy type 2J (LGMDR10). Also called: Limb-girdle muscular dystrophy, type 2J; MUSCULAR DYSTROPHY, LIMB-GIRDLE, AUTOSOMAL RECESSIVE 10. Identifiers: Orphanet 140922, MedGen C1837342, MONDO:0012127, OMIM 608807.

Submission:

Labcorp Genetics (formerly Invitae), Labcorp
Classification: Likely pathogenic for Dilated cardiomyopathy 1G; Autosomal recessive limb-girdle muscular dystrophy type 2J. Last evaluated: 2020-04-30. Review status: criteria provided, single submitter. Criteria: Invitae Variant Classification Sherloc (09022015). Collection method: clinical testing. Allele origin: germline.
Comment: This variant is located in the A band of TTN (PMID: 25589632). Truncating variants in this region are significantly overrepresented in patients affected with dilated cardiomyopathy (PMID: 25589632). Truncating variants in this region have also been reported in individuals affected with autosomal recessive centronuclear myopathy (PMID: 23975875). This sequence change results in a premature translational stop signal in the TTN gene (p.Val20254Leufs*50). While this is not anticipated to result in nonsense mediated decay, it is expected to create a truncated TTN protein. This variant is not present in population databases (ExAC no frequency). This variant has not been reported in the literature in individuals with TTN-related conditions. In summary, the currently available evidence indicates that the variant is pathogenic, but additional data are needed to prove that conclusively. Therefore, this variant has been classified as Likely Pathogenic.

Literature cited by the submitters: PubMed 25589632; PubMed 23975875.